The following is an entry in ClinVar:

ClinVar aggregate classification (germline): Uncertain significance. Review status: criteria provided, multiple submitters, no conflicts (2 of 4 stars). 2 submissions from 2 submitters: Uncertain significance (2). Last evaluated 2024-07-22.

Conditions:
Intellectual developmental disorder, autosomal dominant 1. Also called: MBD5 Haploinsufficiency; Intellectual disability, autosomal dominant 1. Identifiers: Orphanet 228402, MedGen C1969562, MONDO:0007974, OMIM 156200.

Allele frequency attached by ClinVar (database versions not stated): gnomAD 0.00001; TOPMed 0.00002.
gnomAD v4.1: 2 of 1,613,414 alleles (0.00012%); highest among the groups gnomAD compares: East Asian, 0.0022%; no homozygotes.

Submissions (2):

Labcorp Genetics (formerly Invitae), Labcorp
Classification: Uncertain significance for Intellectual developmental disorder, autosomal dominant 1. Last evaluated: 2024-07-22. Review status: criteria provided, single submitter. Criteria: Invitae Variant Classification Sherloc (09022015). Collection method: clinical testing. Allele origin: germline.
Comment: This sequence change replaces histidine, which is basic and polar, with glutamine, which is neutral and polar, at codon 267 of the MBD5 protein (p.His267Gln). This variant is present in population databases (no rsID available, gnomAD 0.003%). This variant has not been reported in the literature in individuals affected with MBD5-related conditions. ClinVar contains an entry for this variant (Variation ID: 431841). Advanced modeling of protein sequence and biophysical properties (such as structural, functional, and spatial information, amino acid conservation, physicochemical variation, residue mobility, and thermodynamic stability) performed at Invitae indicates that this missense variant is not expected to disrupt MBD5 protein function with a negative predictive value of 80%. In summary, the available evidence is currently insufficient to determine the role of this variant in disease. Therefore, it has been classified as a Variant of Uncertain Significance.

GeneDx
Classification: Uncertain significance. Last evaluated: 2017-06-02. Review status: criteria provided, single submitter. Criteria: GeneDx Variant Classification (06012015). Collection method: clinical testing. Allele origin: germline. Affected: yes.
Comment: A variant of uncertain significance has been identified in the MBD5 gene. The H267Q variant has not been published as a pathogenic variant, nor has it been reported as a benign variant to our knowledge. The H267Q variant is not observed in large population cohorts (Lek et al., 2016; 1000 Genomes Consortium et al., 2015; Exome Variant Server). The H267Q variant is a semi-conservative amino acid substitution, which may impact secondary protein structure as these residues differ in some properties. This substitution occurs at a position that is conserved across species. However, to our knowledge, only loss-of-function pathogenic variants in MBD5 have been published in association with epilepsy. In silico analysis is inconsistent in its predictions as to whether or not the variant is damaging to the protein structure/function. Therefore, based on the currently available information, it is unclear whether this variant is a pathogenic variant or a rare benign variant.

NM_001378120.1(MBD5):c.801C>G (p.His267Gln)

Gene: MBD5 (methyl-CpG binding domain protein 5; plus strand). Cytogenetic location: 2q23.1.
Variant type: single nucleotide variant.
Coding change: c.801C>G on transcript NM_001378120.1 (MANE Select); coding-DNA position 801, C replaced by G.
Protein change: p.His267Gln; replaces histidine 267 with glutamine.
Molecular consequence: missense variant.
Genome position (GRCh38, 1-based): chr2:148,468,744, C>G. VCF-style: chr2-148468744-C-G. GRCh37 (hg19) VCF-style: chr2-149226313-C-G.
Other names: c.801C>G, p.His267Gln (NM_018328.5); short protein forms H267Q.
Identifiers: ClinVar variation 431841 (VCV000431841.10), dbSNP rs747135508, ClinGen allele CA348717753.
Genomic context (GRCh38, chr2:148,468,744, plus strand): 5'-TGATGTTTTCACAAGAAGTAATCCTGGTTTTCATGGAGCTCCCAATTCTAGTCCTATTCA[C>G]CTGAATAGGACTCCTCTTTCTCCACCTTCAGTAATGCTACATGGTTCTCCTGTACAGTCA-3'
Protein context (NP_001365049.1, residues 257-277): FHGAPNSSPI[His267Gln]LNRTPLSPPS